The following is an entry in ClinVar:

NM_152703.5(SAMD9L):c.53A>G (p.His18Arg)

Gene: SAMD9L (sterile alpha motif domain containing 9 like; minus strand). Cytogenetic location: 7q21.2.
Variant type: single nucleotide variant.
Coding change: c.53A>G on transcript NM_152703.5 (MANE Select); coding-DNA position 53, A replaced by G.
Protein change: p.His18Arg; replaces histidine 18 with arginine.
Molecular consequence: missense variant.
Genome position (GRCh38, 1-based): chr7:93,135,919, T>C on the plus strand (A>G on the coding strand, the complement: SAMD9L is on the minus strand). VCF-style: chr7-93135919-T-C. GRCh37 (hg19) VCF-style: chr7-92765232-T-C.
Other names: c.53A>G, p.His18Arg (NM_001303496.3, NM_001303497.3, NM_001303498.3 and 5 more transcripts); c.53A>G (NM_152703.2); short protein forms H18R.
Identifiers: ClinVar variation 3683949 (VCV003683949.3).

ClinVar aggregate classification (germline): Uncertain significance. Review status: criteria provided, multiple submitters, no conflicts (2 of 4 stars). 2 submissions from 2 submitters: Uncertain significance (2). Last evaluated 2026-01-10.

Conditions:
Inborn genetic diseases. Identifiers: MedGen C0950123, MeSH D030342.

Submissions (2):

Ambry Genetics
Classification: Uncertain significance for Inborn genetic diseases. Last evaluated: 2026-01-10. Review status: criteria provided, single submitter. Criteria: Ambry Variant Classification Scheme 2023. Collection method: clinical testing. Allele origin: germline.
Comment: The p.H18R variant (also known as c.53A>G), located in coding exon 1 of the SAMD9L gene, results from an A to G substitution at nucleotide position 53. The histidine at codon 18 is replaced by arginine, an amino acid with highly similar properties. This amino acid position is conserved. In addition, this alteration is predicted to be tolerated by in silico analysis. Based on the available evidence, the clinical significance of this variant remains unclear.

Labcorp Genetics (formerly Invitae), Labcorp
Classification: Uncertain significance. Last evaluated: 2024-09-16. Review status: criteria provided, single submitter. Criteria: Invitae Variant Classification Sherloc (09022015). Collection method: clinical testing. Allele origin: germline.
Comment: This sequence change replaces histidine, which is basic and polar, with arginine, which is basic and polar, at codon 18 of the SAMD9L protein (p.His18Arg). This variant is present in population databases (rs775639821, gnomAD 0.002%). This variant has not been reported in the literature in individuals affected with SAMD9L-related conditions. An algorithm developed to predict the effect of missense changes on protein structure and function outputs the following: PolyPhen-2: "Possibly Damaging". The arginine amino acid residue is found in multiple mammalian species, which suggests that this missense change does not adversely affect protein function. In summary, the available evidence is currently insufficient to determine the role of this variant in disease. Therefore, it has been classified as a Variant of Uncertain Significance.